The following is an entry in ClinVar:

NM_001277115.2(DNAH11):c.4202A>G (p.Gln1401Arg)

Gene: DNAH11 (dynein axonemal heavy chain 11; plus strand). Cytogenetic location: 7p15.3.
Variant type: single nucleotide variant.
Coding change: c.4202A>G on transcript NM_001277115.2 (MANE Select); coding-DNA position 4202, A replaced by G.
Protein change: p.Gln1401Arg; replaces glutamine 1401 with arginine.
Molecular consequence: missense variant.
Genome position (GRCh38, 1-based): chr7:21,617,725, A>G. VCF-style: chr7-21617725-A-G. GRCh37 (hg19) VCF-style: chr7-21657343-A-G.
Other names: short protein forms Q1401R.
Identifiers: ClinVar variation 257890 (VCV000257890.45), dbSNP rs199629774, ClinGen allele CA4179937.

ClinVar aggregate classification (germline): Benign/Likely benign. Review status: criteria provided, multiple submitters, no conflicts (2 of 4 stars). 5 submissions from 5 submitters: Benign (3); Likely benign (2). Last evaluated 2026-02-01.

Conditions:
Primary ciliary dyskinesia. Also called: Ciliary dyskinesia. Identifiers: Orphanet 244, MedGen C0008780, MONDO:0016575, HP:0012265.

Allele frequency attached by ClinVar (database versions not stated): gnomAD 0.00074 and 0.00103; TOPMed 0.00090; ESP Exome Variant Server 0.00098; gnomAD exomes 0.00159 and 0.00236; ExAC 0.00257; 1000 Genomes Project 0.00260; 1000 Genomes Project 30x 0.00312.
gnomAD v4.1: 2,482 of 1,613,138 alleles (0.15%); highest among the groups gnomAD compares: South Asian, 1.1%; 18 homozygotes.

Submissions (5):

Labcorp Genetics (formerly Invitae), Labcorp
Classification: Benign for Primary ciliary dyskinesia. Last evaluated: 2026-02-01. Review status: criteria provided, single submitter. Criteria: Invitae Variant Classification Sherloc (09022015). Collection method: clinical testing. Allele origin: germline.

Blueprint Genetics
Classification: Likely benign. Last evaluated: 2024-11-12. Review status: criteria provided, single submitter. Criteria: ACMG Guidelines, 2015. Collection method: clinical testing. Allele origin: germline.

CeGaT Center for Human Genetics Tuebingen
Classification: Benign. Last evaluated: 2023-02-01. Review status: criteria provided, single submitter. Criteria: CeGaT Center For Human Genetics Tuebingen Variant Classification Criteria Version 2. Collection method: clinical testing. Allele origin: germline. Affected: yes. Observed: 3 variant alleles.
Comment: DNAH11: BP4, BS1, BS2

Ambry Genetics
Classification: Benign for Primary ciliary dyskinesia. Last evaluated: 2018-01-15. Review status: criteria provided, single submitter. Criteria: Ambry Variant Classification Scheme 2023. Collection method: clinical testing. Allele origin: germline.

PreventionGenetics, part of Exact Sciences
Classification: Likely benign. Review status: criteria provided, single submitter. Criteria: ACMG Guidelines, 2015. Collection method: clinical testing. Allele origin: germline.